The following is an entry in ClinVar:

ClinVar aggregate classification (germline): Uncertain significance (1 of 4 stars; one submission).

Submission:

Labcorp Genetics (formerly Invitae), Labcorp
Classification: Uncertain significance. Last evaluated: 2023-09-05. Review status: criteria provided, single submitter. Criteria: Invitae Variant Classification Sherloc (09022015). Collection method: clinical testing. Allele origin: germline.
Comment: Advanced modeling of protein sequence and biophysical properties (such as structural, functional, and spatial information, amino acid conservation, physicochemical variation, residue mobility, and thermodynamic stability) performed at Invitae indicates that this missense variant is expected to disrupt HOXB13 protein function. In summary, the available evidence is currently insufficient to determine the role of this variant in disease. Therefore, it has been classified as a Variant of Uncertain Significance. This variant is not present in population databases (gnomAD no frequency). This variant has not been reported in the literature in individuals affected with HOXB13-related conditions. ClinVar contains an entry for this variant (Variation ID: 1473268). This sequence change replaces threonine, which is neutral and polar, with serine, which is neutral and polar, at codon 261 of the HOXB13 protein (p.Thr261Ser).

NM_006361.6(HOXB13):c.782C>G (p.Thr261Ser)

Gene: HOXB13 (homeobox B13; minus strand). Cytogenetic location: 17q21.32.
Variant type: single nucleotide variant.
Coding change: c.782C>G on transcript NM_006361.6 (MANE Select); coding-DNA position 782, C replaced by G.
Protein change: p.Thr261Ser; replaces threonine 261 with serine.
Molecular consequence: missense variant.
Genome position (GRCh38, 1-based): chr17:48,726,863, G>C on the plus strand (C>G on the coding strand, the complement: HOXB13 is on the minus strand). VCF-style: chr17-48726863-G-C. GRCh37 (hg19) VCF-style: chr17-46804225-G-C.
Other names: short protein forms T261S.
Identifiers: ClinVar variation 1473268 (VCV001473268.6), dbSNP rs2143065831, ClinGen allele CA400105781.
Genomic context (GRCh38, chr17:48,726,863, plus strand): 5'-CTGTTCTTCACCTTGGCGAGAACCTTCTTCTCTTTGACCCGGCGGTTCTGAAACCAGATG[G>C]TAATCTGGCGCTCCGAGAGGCTGGTGGCTGCCGAGATCTTGCGCCTCTTGTCCTTGGTGA-3'
Protein context (NP_006352.2, residues 251-271): AATSLSERQI[Thr261Ser]IWFQNRRVKE